The following is an entry in ClinVar:

ClinVar aggregate classification (germline): Conflicting classifications of pathogenicity. Review status: criteria provided, conflicting classifications (1 of 4 stars). 5 submissions from 5 submitters: Uncertain significance (1); Benign (2); Likely benign (1). 1 of the submissions does not count toward it. Last evaluated 2025-12-22.

Conditions:
KIAA1549-related disorder. Also called: KIAA1549-related condition.
Inborn genetic diseases. Identifiers: MedGen C0950123, MeSH D030342.

Allele frequency attached by ClinVar (database versions not stated): gnomAD exomes 0.00007 and 0.00022; ExAC 0.00022; ESP Exome Variant Server 0.00056; 1000 Genomes Project 30x 0.00062; 1000 Genomes Project 0.00080; gnomAD 0.00083 and 0.00086; TOPMed 0.00095.
gnomAD v4.1: 235 of 1,614,030 alleles (0.015%); highest among the groups gnomAD compares: African/African-American, 0.29%; 1 homozygote.

Submissions (5):

Labcorp Genetics (formerly Invitae), Labcorp
Classification: Benign. Last evaluated: 2025-12-22. Review status: criteria provided, single submitter. Criteria: Invitae Variant Classification Sherloc (09022015). Collection method: clinical testing. Allele origin: germline.

Ambry Genetics
Classification: Uncertain significance for Inborn genetic diseases. Last evaluated: 2025-03-26. Review status: criteria provided, single submitter. Criteria: Ambry Variant Classification Scheme 2023. Collection method: clinical testing. Allele origin: germline.

Blueprint Genetics
Classification: Likely benign. Last evaluated: 2024-11-13. Review status: criteria provided, single submitter. Criteria: ACMG Guidelines, 2015. Collection method: clinical testing. Allele origin: germline.

Breakthrough Genomics
Classification: Benign. Review status: criteria provided, single submitter. Criteria: ACMG Guidelines, 2015. Collection method: not provided. Allele origin: germline. Inheritance: Autosomal recessive inheritance. Affected: yes.

PreventionGenetics, part of Exact Sciences
Classification: Likely benign for KIAA1549-related condition. Last evaluated: 2023-03-28. Review status: no assertion criteria provided. Collection method: clinical testing. Allele origin: germline. Not counted in ClinVar's aggregate classification.
Comment: This variant is classified as likely benign based on ACMG/AMP sequence variant interpretation guidelines (Richards et al. 2015 PMID: 25741868, with internal and published modifications).

NM_001164665.2(KIAA1549):c.4184G>A (p.Ser1395Asn)

Gene: KIAA1549 (KIAA1549; minus strand). Cytogenetic location: 7q34.
Variant type: single nucleotide variant.
Coding change: c.4184G>A on transcript NM_001164665.2 (MANE Select); coding-DNA position 4184, G replaced by A.
Protein change: p.Ser1395Asn; replaces serine 1395 with asparagine.
Molecular consequence: missense variant.
Genome position (GRCh38, 1-based): chr7:138,881,433, C>T on the plus strand (G>A on the coding strand, the complement: KIAA1549 is on the minus strand). VCF-style: chr7-138881433-C-T. GRCh37 (hg19) VCF-style: chr7-138566179-C-T.
Other names: c.4184G>A, p.Ser1395Asn (NM_020910.3); short protein forms S1395N.
Identifiers: ClinVar variation 780723 (VCV000780723.16), dbSNP rs139412672, ClinGen allele CA4505984.